The following is an entry in ClinVar:

NM_021076.4(NEFH):c.2270A>G (p.Lys757Arg)

Gene: NEFH (neurofilament heavy chain; plus strand). Cytogenetic location: 22q12.2.
Variant type: single nucleotide variant.
Coding change: c.2270A>G on transcript NM_021076.4 (MANE Select); coding-DNA position 2270, A replaced by G.
Protein change: p.Lys757Arg; replaces lysine 757 with arginine.
Molecular consequence: missense variant.
Genome position (GRCh38, 1-based): chr22:29,489,910, A>G. VCF-style: chr22-29489910-A-G. GRCh37 (hg19) VCF-style: chr22-29885899-A-G.
Other names: short protein forms K757R.
Identifiers: ClinVar variation 3694818 (VCV003694818.2).
Genomic context (GRCh38, chr22:29,489,910, plus strand): 5'-AGTCCCCAGTGAAGGAAGAAGCTAAGTCCCCAGAGAAGGCCAAGTCCCCAGAGAAGGCCA[A>G]GACTCTTGATGTGAAGTCTCCAGAAGCCAAGACTCCAGCGAAGGAGGAAGCAAGGTCCCC-3'
Protein context (NP_066554.2, residues 747-767): PEKAKSPEKA[Lys757Arg]TLDVKSPEAK

ClinVar aggregate classification (germline): Uncertain significance (1 of 4 stars; one submission).

Submission:

Labcorp Genetics (formerly Invitae), Labcorp
Classification: Uncertain significance. Last evaluated: 2025-06-09. Review status: criteria provided, single submitter. Criteria: Invitae Variant Classification Sherloc (09022015). Collection method: clinical testing. Allele origin: germline.
Comment: This sequence change replaces lysine, which is basic and polar, with arginine, which is basic and polar, at codon 757 of the NEFH protein (p.Lys757Arg). This variant is present in population databases (rs771155137, gnomAD 0.006%). This variant has not been reported in the literature in individuals affected with NEFH-related conditions. ClinVar contains an entry for this variant (Variation ID: 3694818). Invitae Evidence Modeling of protein sequence and biophysical properties (such as structural, functional, and spatial information, amino acid conservation, physicochemical variation, residue mobility, and thermodynamic stability) indicates that this missense variant is not expected to disrupt NEFH protein function with a negative predictive value of 95%. In summary, the available evidence is currently insufficient to determine the role of this variant in disease. Therefore, it has been classified as a Variant of Uncertain Significance.